The following is an entry in ClinVar:

ClinVar aggregate classification (germline): Uncertain significance (1 of 4 stars; one submission).

Submission:

Labcorp Genetics (formerly Invitae), Labcorp
Classification: Uncertain significance. Last evaluated: 2022-10-13. Review status: criteria provided, single submitter. Criteria: Invitae Variant Classification Sherloc (09022015). Collection method: clinical testing. Allele origin: germline.
Comment: In summary, the available evidence is currently insufficient to determine the role of this variant in disease. Therefore, it has been classified as a Variant of Uncertain Significance. Algorithms developed to predict the effect of missense changes on protein structure and function are either unavailable or do not agree on the potential impact of this missense change (SIFT: "Not Available"; PolyPhen-2: "Benign"; Align-GVGD: "Not Available"). ClinVar contains an entry for this variant (Variation ID: 934701). This variant has not been reported in the literature in individuals affected with ADAMTS18-related conditions. This variant is not present in population databases (gnomAD no frequency). This sequence change replaces alanine, which is neutral and non-polar, with valine, which is neutral and non-polar, at codon 1022 of the ADAMTS18 protein (p.Ala1022Val).

NM_199355.4(ADAMTS18):c.3065C>T (p.Ala1022Val)

Gene: ADAMTS18 (ADAM metallopeptidase with thrombospondin type 1 motif 18; minus strand). Cytogenetic location: 16q23.1.
Variant type: single nucleotide variant.
Coding change: c.3065C>T on transcript NM_199355.4 (MANE Select); coding-DNA position 3065, C replaced by T.
Protein change: p.Ala1022Val; replaces alanine 1022 with valine.
Molecular consequence: missense variant.
Genome position (GRCh38, 1-based): chr16:77,293,200, G>A on the plus strand (C>T on the coding strand, the complement: ADAMTS18 is on the minus strand). VCF-style: chr16-77293200-G-A. GRCh37 (hg19) VCF-style: chr16-77327097-G-A.
Other names: c.2549C>T, p.Ala850Val (NM_001326358.2); short protein forms A1022V, A850V.
Identifiers: ClinVar variation 934701 (VCV000934701.7), dbSNP rs1186864593, ClinGen allele CA396832923.
Genomic context (GRCh38, chr16:77,293,200, plus strand): 5'-CCCTCCTGCAGCTCAGGTCTGGGGAGACTGGTACACTGGCTCTCGGGGAGGGTTTCTGCG[G>A]CAGAGCCCTTGCAGAGGAGTTCACGCTTCCTCACCCCTCGTCCACAGGTCTTGGAACACT-3'
Protein context (NP_955387.1, residues 1012-1032): RKRELLCKGS[Ala1022Val]AETLPESQCT